The following is an entry in ClinVar:

NM_000474.4(TWIST1):c.599C>A (p.Ala200Glu)

Genes: TWIST1 (twist family bHLH transcription factor 1; minus strand), LOC129998021 (ATAC-STARR-seq lymphoblastoid active region 25682; plus strand). Cytogenetic location: 7p21.1.
Variant type: single nucleotide variant.
Coding change: c.599C>A on transcript NM_000474.4 (MANE Select); coding-DNA position 599, C replaced by A.
Protein change: p.Ala200Glu; replaces alanine 200 with glutamic acid.
Molecular consequence: missense variant. On other transcripts: non-coding transcript variant (1).
Genome position (GRCh38, 1-based): chr7:19,116,723, G>T on the plus strand (C>A on the coding strand, the complement: TWIST1 is on the minus strand). VCF-style: chr7-19116723-G-T. GRCh37 (hg19) VCF-style: chr7-19156346-G-T.
Other names: short protein forms A200E.
Identifiers: ClinVar variation 2571935 (VCV002571935.1), dbSNP rs375138242, ClinGen allele CA367015077.

ClinVar aggregate classification (germline): Uncertain significance (1 of 4 stars; one submission).

Allele frequency attached by ClinVar (database versions not stated): gnomAD exomes below 0.00001.

Submission:

GeneDx
Classification: Uncertain significance. Last evaluated: 2023-01-06. Review status: criteria provided, single submitter. Criteria: GeneDx Variant Classification Process June 2021. Collection method: clinical testing. Allele origin: germline. Affected: yes.
Comment: Not observed at significant frequency in large population cohorts (gnomAD); In silico analysis supports that this missense variant does not alter protein structure/function; Has not been previously published as pathogenic or benign to our knowledge